The following is an entry in ClinVar:

ClinVar aggregate classification (germline): Pathogenic/Likely pathogenic. Review status: criteria provided, multiple submitters, no conflicts (2 of 4 stars). 3 submissions from 3 submitters: Pathogenic (1); Likely pathogenic (2). Last evaluated 2018-12-27.

Conditions:
Microcephaly 6, primary, autosomal recessive. Identifiers: Orphanet 2512, MedGen C1842109, MONDO:0012029, OMIM 608393.
Seckel syndrome 4 (SCKL4). Identifiers: Orphanet 808, MedGen C3888212, MONDO:0013358, OMIM 613676.
Autosomal recessive primary microcephaly. Identifiers: Orphanet 2512, MedGen C3711387, MONDO:0016660.

Submissions (3):

Laboratory for Molecular Medicine, Mass General Brigham Personalized Medicine
Classification: Likely pathogenic for Autosomal recessive primary microcephaly. Last evaluated: 2018-12-27. Review status: criteria provided, single submitter. Criteria: LMM Criteria. Collection method: clinical testing. Allele origin: germline. Inheritance: Autosomal recessive inheritance. Observed: 1 variant allele.
Comment: The p.Glu300ThrfsX7 variant in CENPJ has been reported in one individual with Se ckel syndrome (ClinVar Variation ID #210670). It has been identified in 2/113580 of European chromosomes by gnomAD. Although this variant has been seen in the general population, its frequency is low enoug h to be consistent with a recessive carrier frequency. This variant is predicted to cause a frameshift, which alters the protein?s amino acid sequence beginning at position 300 and leads to a premature termination codon 7 amino acids downst ream. This alteration is then predicted to lead to a truncated or absent protein . Biallelic loss of function of the CENPJ gene has been strongly associated with autosomal recessive primary microcephaly with or without clinical features of S eckel syndrome. In summary, although additional studies are required to fully es tablish its clinical significance, this variant meets criteria to be classified as likely pathogenic for autosomal recessive primary microcephaly with or withou t clinical features of Seckel syndrome. ACMG/AMP Criteria applied: PM2, PVS1.

Genetic Services Laboratory, University of Chicago
Classification: Pathogenic for Seckel syndrome 4. Last evaluated: 2013-02-08. Review status: criteria provided, single submitter. Criteria: ACMG Guidelines, 2007. Collection method: clinical testing. Allele origin: germline. Affected: yes.

Juno Genomics, Hangzhou Juno Genomics, Inc
Classification: Likely pathogenic for Seckel syndrome 4; Microcephaly 6, primary, autosomal recessive. Review status: criteria provided, single submitter. Criteria: ACMG Guidelines, 2015. Collection method: clinical testing. Allele origin: germline.
Comment: Absent from controls (or at extremely low frequency if recessive) in Genome Aggregation Database.;Null variant in a gene where loss of function (LOF) is a known mechanism of disease.

NM_018451.5(CPAP):c.898_899del (p.Glu300fs)

Gene: CPAP (centrosome assembly and centriole elongation protein; minus strand). Cytogenetic location: 13q12.13.
Variant type: Deletion.
Coding change: c.898_899del on transcript NM_018451.5 (MANE Select); coding-DNA positions 898 to 899, 2 bases deleted (GA; older notation c.898_899delGA).
Protein change: p.Glu300fs; shifts the reading frame from glutamic acid 300.
Molecular consequence: frameshift variant. On other transcripts: non-coding transcript variant (2).
Genome position (GRCh38, 1-based): chr13:24,908,093-24,908,094, TC deleted on the plus strand (GA on the coding strand, the reverse complement: CPAP is on the minus strand); deleting any 2 consecutive bases within chr13:24,908,093-24,908,095 gives the same sequence; the c. name uses the placement nearest the transcript's 3' end. VCF-style (leftmost placement, unchanged base first): chr13-24908092-TTC-T. GRCh37 (hg19) VCF-style: chr13-25482230-TTC-T.
Other names: short protein forms E300fs.
Identifiers: ClinVar variation 210670 (VCV000210670.12), dbSNP rs797045454, ClinGen allele CA249684.